The following is an entry in ClinVar:

NM_001111125.3(IQSEC2):c.365C>T (p.Ala122Val)

Gene: IQSEC2 (IQ motif and Sec7 domain ArfGEF 2; minus strand). Cytogenetic location: Xp11.22.
Variant type: single nucleotide variant.
Coding change: c.365C>T on transcript NM_001111125.3 (MANE Select); coding-DNA position 365, C replaced by T.
Protein change: p.Ala122Val; replaces alanine 122 with valine.
Molecular consequence: missense variant.
Genome position (GRCh38, 1-based): chrX:53,320,759, G>A on the plus strand (C>T on the coding strand, the complement: IQSEC2 is on the minus strand). VCF-style: chrX-53320759-G-A. GRCh37 (hg19) VCF-style: chrX-53349957-G-A.
Other names: c.365C>T, p.Ala122Val (NM_001410736.1); short protein forms A122V.
Identifiers: ClinVar variation 3633351 (VCV003633351.2).

ClinVar aggregate classification (germline): Uncertain significance (1 of 4 stars; one submission).

Conditions:
Intellectual developmental disorder, X-linked 1. Also called: Atkin Flaitz Patil Smith syndrome; MENTAL RETARDATION, X-LINKED 18; MENTAL RETARDATION, X-LINKED 78; Intellectual disability, X-linked 1. Identifiers: Orphanet 777, MedGen C2931498, MONDO:0010656, OMIM 309530.

Submission:

Labcorp Genetics (formerly Invitae), Labcorp
Classification: Uncertain significance for Intellectual developmental disorder, X-linked 1. Last evaluated: 2024-02-16. Review status: criteria provided, single submitter. Criteria: Invitae Variant Classification Sherloc (09022015). Collection method: clinical testing. Allele origin: germline.
Comment: This sequence change replaces alanine, which is neutral and non-polar, with valine, which is neutral and non-polar, at codon 122 of the IQSEC2 protein (p.Ala122Val). This variant is not present in population databases (gnomAD no frequency). This variant has not been reported in the literature in individuals affected with IQSEC2-related conditions. Advanced modeling of protein sequence and biophysical properties (such as structural, functional, and spatial information, amino acid conservation, physicochemical variation, residue mobility, and thermodynamic stability) performed at Invitae indicates that this missense variant is not expected to disrupt IQSEC2 protein function with a negative predictive value of 95%. In summary, the available evidence is currently insufficient to determine the role of this variant in disease. Therefore, it has been classified as a Variant of Uncertain Significance.